The following is an entry in ClinVar:

ClinVar aggregate classification (germline): Uncertain significance. Review status: criteria provided, multiple submitters, no conflicts (2 of 4 stars). 2 submissions from 2 submitters: Uncertain significance (2). Last evaluated 2026-09-11.

Allele frequency attached by ClinVar (database versions not stated): gnomAD exomes below 0.00001.
gnomAD v4.1: 1 of 1,614,090 alleles (0.000062%); highest among the groups gnomAD compares: Non-Finnish European, 0.000085%; no homozygotes.

Submissions (2):

Ambry Genetics
Classification: Uncertain significance. Last evaluated: 2026-09-11. Review status: criteria provided, single submitter. Criteria: Ambry Variant Classification Scheme 2023. Collection method: clinical testing. Allele origin: germline.

Labcorp Genetics (formerly Invitae), Labcorp
Classification: Uncertain significance. Last evaluated: 2024-02-16. Review status: criteria provided, single submitter. Criteria: Invitae Variant Classification Sherloc (09022015). Collection method: clinical testing. Allele origin: germline.
Comment: This sequence change replaces tyrosine, which is neutral and polar, with histidine, which is basic and polar, at codon 216 of the GABRB1 protein (p.Tyr216His). This variant is not present in population databases (gnomAD no frequency). This variant has not been reported in the literature in individuals affected with GABRB1-related conditions. ClinVar contains an entry for this variant (Variation ID: 1433793). Advanced modeling of protein sequence and biophysical properties (such as structural, functional, and spatial information, amino acid conservation, physicochemical variation, residue mobility, and thermodynamic stability) performed at Invitae indicates that this missense variant is not expected to disrupt GABRB1 protein function with a negative predictive value of 95%. In summary, the available evidence is currently insufficient to determine the role of this variant in disease. Therefore, it has been classified as a Variant of Uncertain Significance.

NM_000812.4(GABRB1):c.646T>C (p.Tyr216His)

Gene: GABRB1 (gamma-aminobutyric acid type A receptor subunit beta1; plus strand). Cytogenetic location: 4p12.
Variant type: single nucleotide variant.
Coding change: c.646T>C on transcript NM_000812.4 (MANE Select); coding-DNA position 646, T replaced by C.
Protein change: p.Tyr216His; replaces tyrosine 216 with histidine.
Molecular consequence: missense variant.
Genome position (GRCh38, 1-based): chr4:47,403,419, T>C. VCF-style: chr4-47403419-T-C. GRCh37 (hg19) VCF-style: chr4-47405436-T-C.
Other names: c.646T>C (NM_000812.3); short protein forms Y216H.
Identifiers: ClinVar variation 1433793 (VCV001433793.7), dbSNP rs2110051539, ClinGen allele CA356810415.